The following is an entry in ClinVar:

NM_004385.5(VCAN):c.7433C>T (p.Thr2478Ile)

Genes: VCAN (versican; plus strand), VCAN-AS1 (VCAN antisense RNA 1; minus strand). Cytogenetic location: 5q14.3.
Variant type: single nucleotide variant.
Coding change: c.7433C>T on transcript NM_004385.5 (MANE Select); coding-DNA position 7433, C replaced by T.
Protein change: p.Thr2478Ile; replaces threonine 2478 with isoleucine.
Molecular consequence: missense variant. On other transcripts: intron variant (2).
Genome position (GRCh38, 1-based): chr5:83,540,436, C>T. VCF-style: chr5-83540436-C-T. GRCh37 (hg19) VCF-style: chr5-82836255-C-T.
Other names: c.4472C>T, p.Thr1491Ile (NM_001164097.2); c.4004-5101C>T (NM_001164098.2); c.1043-5101C>T (NM_001126336.3); short protein forms T2478I, T1491I.
Identifiers: ClinVar variation 2121471 (VCV002121471.4), dbSNP rs778908221, ClinGen allele CA3333634.

ClinVar aggregate classification (germline): Uncertain significance (1 of 4 stars; one submission).

Allele frequency attached by ClinVar (database versions not stated): ExAC 0.00001.
gnomAD v4.1: 1 of 1,614,028 alleles (0.000062%); highest among the groups gnomAD compares: Non-Finnish European, 0.000085%; no homozygotes.

Submission:

Labcorp Genetics (formerly Invitae), Labcorp
Classification: Uncertain significance. Last evaluated: 2022-04-04. Review status: criteria provided, single submitter. Criteria: Invitae Variant Classification Sherloc (09022015). Collection method: clinical testing. Allele origin: germline.
Comment: This sequence change replaces threonine, which is neutral and polar, with isoleucine, which is neutral and non-polar, at codon 2478 of the VCAN protein (p.Thr2478Ile). This variant is present in population databases (rs778908221, gnomAD 0.0009%). This variant has not been reported in the literature in individuals affected with VCAN-related conditions. Algorithms developed to predict the effect of missense changes on protein structure and function are either unavailable or do not agree on the potential impact of this missense change (SIFT: "Deleterious"; PolyPhen-2: "Possibly Damaging"; Align-GVGD: "Class C15"). In summary, the available evidence is currently insufficient to determine the role of this variant in disease. Therefore, it has been classified as a Variant of Uncertain Significance.